The following continues an entry in ClinVar:

NM_005861.4(STUB1):c.433A>C (p.Lys145Gln)

Gene: STUB1. ClinVar aggregate classification (germline): Conflicting classifications of pathogenicity. Pathogenic (6); Likely pathogenic (5); Uncertain significance (8).

Submissions 10 to 21 of 21:

Johns Hopkins Genomics, Johns Hopkins University
Classification: Likely pathogenic for Autosomal recessive spinocerebellar ataxia 16. Last evaluated: 2023-03-21. Review status: criteria provided, single submitter. Criteria: ACMG Guidelines, 2015. Collection method: clinical testing. Allele origin: germline.
Comment: This STUB1 variant (rs146251364) is rare (<0.1%) in a large population dataset (gnomAD 171/280402 total alleles; 0.06%; 1 homozygote) and has been reported in ClinVar. This missense change has been observed in individuals with clinical features of spinocerebellar ataxia, autosomal recessive 16 (SCAR16) and has been observed to segregate with disease in families. In vitro studies using transfected cells have shown that this missense change has a moderate effect on STUB1 function. However, functional analysis in cortical neurons derived from patient fibroblasts containing c.433A>C (p.Lys145Gln) and c.728C>T (p.Pro243Leu) in the compound heterozygote state demonstrated reduced STUB1/CHIP protein levels. Bioinformatic analysis predicts that this missense variant would not affect normal exon 3 splicing, although this has not been confirmed experimentally to our knowledge. We consider c.433A>C (p.Lys145Gln) to be likely pathogenic for SCAR16.

Department of Pathology and Laboratory Medicine, Sinai Health System
Classification: Uncertain significance for Autosomal recessive spinocerebellar ataxia 16; Spinocerebellar ataxia 48. Last evaluated: 2023-02-06. Review status: criteria provided, single submitter. Criteria: ACMG Guidelines, 2015. Collection method: research. Allele origin: germline.

Laboratorio de Genetica e Diagnostico Molecular, Hospital Israelita Albert Einstein
Classification: Likely pathogenic for Autosomal recessive spinocerebellar ataxia 16. Last evaluated: 2022-09-01. Review status: criteria provided, single submitter. Criteria: ACMG Guidelines, 2015. Collection method: clinical testing. Allele origin: germline. Affected: yes. Observed: 1 variant allele.
Comment: ACMG classification criteria: PM3 strong, PP1 moderated

Institute of Human Genetics Munich, TUM University Hospital
Classification: Pathogenic for Autosomal recessive spinocerebellar ataxia 16. Last evaluated: 2022-08-30. Review status: criteria provided, single submitter. Criteria: Classification criteria August 2017. Collection method: clinical testing. Allele origin: germline. Inheritance: Autosomal recessive inheritance. Affected: yes. Observed: 1 variant allele.

Victorian Clinical Genetics Services, Murdoch Childrens Research Institute
Classification: Pathogenic for Autosomal recessive spinocerebellar ataxia 16. Last evaluated: 2022-03-31. Review status: criteria provided, single submitter. Criteria: ACMG Guidelines, 2015. Collection method: clinical testing. Allele origin: germline. Inheritance: Autosomal recessive inheritance.
Comment: Based on the classification scheme VCGS_Germline_v1.3.4, this variant is classified as Pathogenic. Following criteria are met: 0103 - Dominant negative and loss of function are suggested mechanisms of disease in this gene and are associated with spinocerebellar ataxia 48 (MIM#618093) and spinocerebellar ataxia 16 (MIM#615768), respectively (PMID: 34565360). (I) 0108 - This gene is associated with both recessive and dominant disease. Monoallelic variants have been reported to result in SCA48, whereas biallelic variants have been associated with SCA16 (PMID: 34565360). However, it remains unclear why p.(Arg241Trp) and p.(Cys232Gly) have been associated with both phenotypes (PMID: 33417001). (I) 0115 - Variants in this gene are known to have variable expressivity. There is interfamilial and intrafamilial variability of both severity and features (PMID: 33417001). (I) 0200 - Variant is predicted to result in a missense amino acid change from lysine to glutamine. (I) 0252 - This variant is homozygous. (I) 0304 - Variant is present in gnomAD (v2) <0.01 (169 heterozygotes, 1 homozygote). (SP) 0502 - Missense variant with conflicting in silico predictions and uninformative conservation. (I) 0600 - Variant is located in the annotated CHIP domain (PDB). (I) 0705 - No comparable missense variants have previous evidence for pathogenicity. (I) 0801 - This variant has strong previous evidence of pathogenicity in unrelated individuals. It has been reported as compound heterozygous in at least five unrelated individuals with ataxia (VCGS, PMIDs: 28193273, 28444220, 29915382, 32367277, 34234304, 34663476). It has also been reported as VUS in ClinVar but without further curation information provided. (I) Legend: (SP) - Supporting pathogenic, (I) - Information, (SB) - Supporting benign

Molecular Medicine for Neurodegenerative and Neuromuscular Diseases Unit, IRCCS Fondazione Stella Maris
Classification: Pathogenic for Autosomal recessive spinocerebellar ataxia 16. Last evaluated: 2021-01-04. Review status: criteria provided, single submitter. Criteria: ACMG Guidelines, 2015. Collection method: research. Allele origin: unknown. Affected: yes.

Mendelics
Classification: Uncertain significance for Autosomal recessive spinocerebellar ataxia 16. Last evaluated: 2019-05-28. Review status: criteria provided, single submitter. Criteria: Mendelics Assertion Criteria 2017. Collection method: clinical testing. Allele origin: unknown.

Genetic Services Laboratory, University of Chicago
Classification: Uncertain significance. Last evaluated: 2014-06-27. Review status: criteria provided, single submitter. Criteria: ACMG Guidelines, 2015. Collection method: clinical testing. Allele origin: germline.

Institute of Human Genetics, University Hospital of Duesseldorf
Classification: Pathogenic for Autosomal recessive spinocerebellar ataxia 16. Review status: criteria provided, single submitter. Criteria: ACMG Guidelines, 2015. Collection method: not provided. Allele origin: germline. Inheritance: Autosomal recessive inheritance. Affected: yes.

Juno Genomics, Hangzhou Juno Genomics, Inc
Classification: Pathogenic for Autosomal recessive spinocerebellar ataxia 16. Review status: criteria provided, single submitter. Criteria: ACMG Guidelines, 2015. Collection method: clinical testing. Allele origin: germline. Affected: yes.
Comment: Well-established in vitro or in vivo functional studies supportive of a damaging effect on the gene or gene product.;For recessive disorders, detected in trans with a pathogenic variant.;Co-segregation with disease in multiple affected family members.;Patient's phenotype or family history is highly specific for a disease with a single genetic etiology.

OMIM
Classification: Pathogenic for SPINOCEREBELLAR ATAXIA, AUTOSOMAL RECESSIVE 16. Last evaluated: 2021-02-25. Review status: no assertion criteria provided. Collection method: literature only. Allele origin: germline. Not counted in ClinVar's aggregate classification.

Genomics England Pilot Project, Genomics England
Classification: Likely pathogenic for Autosomal recessive spinocerebellar ataxia 16. Review status: no assertion criteria provided. Criteria: ACGS Guidelines, 2016. Collection method: clinical testing. Allele origin: germline. Affected: yes. Not counted in ClinVar's aggregate classification.

Literature cited by the submitters: PubMed 29915382 (cited by 4 submitters); PubMed 28444220 (cited by 4 submitters); PubMed 34663476 (cited by 3 submitters); PubMed 29317501 (cited by 4 submitters); PubMed 28396517 (cited by 4 submitters); PubMed 32367277 (cited by 5 submitters); PubMed 24719489 (cited by 6 submitters); PubMed 28193273 (cited by 5 submitters); PubMed 33417001 (cited by 6 submitters); PubMed 41315541 (cited by Women's Health and Genetics/Laboratory Corporation of America, LabCorp); PubMed 28193272 (cited by Labcorp Genetics (formerly Invitae), Labcorp); PubMed 33097556 (cited by Ambry Genetics and Johns Hopkins Genomics, Johns Hopkins University); PubMed 34234304 (cited by Ambry Genetics and Victorian Clinical Genetics Services, Murdoch Childrens Research Institute); PubMed 34565360 (cited by Victorian Clinical Genetics Services, Murdoch Childrens Research Institute).